The following is an entry in ClinVar:

NM_001371596.2(MFSD8):c.999-1G>A

Gene: MFSD8 (major facilitator superfamily domain containing 8; minus strand). Cytogenetic location: 4q28.2.
Variant type: single nucleotide variant.
Coding change: c.999-1G>A on transcript NM_001371596.2 (MANE Select); the canonical splice acceptor site of the intron before coding-DNA position 999, G replaced by A.
Molecular consequence: splice acceptor variant. On other transcripts: intron variant (1).
Genome position (GRCh38, 1-based): chr4:127,921,964, C>T on the plus strand (G>A on the coding strand, the complement: MFSD8 is on the minus strand). VCF-style: chr4-127921964-C-T. GRCh37 (hg19) VCF-style: chr4-128843119-C-T.
Other names: c.717-1G>A (NM_001371595.1); c.549-1G>A (NM_001410765.1); c.864-1G>A (NM_001371590.2); c.999-1G>A (NM_152778.4, NM_001371591.2); c.684-1G>A (NM_001363521.3); c.885-193G>A (NM_001410766.1); c.885-1G>A (NM_001371593.2); c.798-1G>A (NM_001363520.3); and 2 more.
Identifiers: ClinVar variation 1468274 (VCV001468274.7), dbSNP rs2148841537, ClinGen allele CA358172142.
Genomic context (GRCh38, chr4:127,921,964, plus strand): 5'-ATAAAGAAGCCAACCCATACAACGATGAGTCCTCCCAGTAGAATAGCACGCTCGCCAATC[C>T]TGTTAAAGAACAGAAACTCTGTAATTTTAAAATGAAACATTATAACATAGCTTCATTACT-3'

ClinVar aggregate classification (germline): Likely pathogenic (1 of 4 stars; one submission).

Conditions:
Neuronal ceroid lipofuscinosis 7 (CLN7). Also called: MFSD8-Related Neuronal Ceroid-Lipofuscinosis. Identifiers: Orphanet 168491, Orphanet 228366, MedGen C1838571, MONDO:0012588, OMIM 610951.

gnomAD v4.1: 1 of 1,613,156 alleles (0.000062%); highest among the groups gnomAD compares: Non-Finnish European, 0.000085%; no homozygotes.

Submission:

Labcorp Genetics (formerly Invitae), Labcorp
Classification: Likely pathogenic for Neuronal ceroid lipofuscinosis 7. Last evaluated: 2022-06-14. Review status: criteria provided, single submitter. Criteria: Invitae Variant Classification Sherloc (09022015). Collection method: clinical testing. Allele origin: germline.
Comment: This sequence change affects an acceptor splice site in intron 10 of the MFSD8 gene. It is expected to disrupt RNA splicing. Variants that disrupt the donor or acceptor splice site typically lead to a loss of protein function (PMID: 16199547), and loss-of-function variants in MFSD8 are known to be pathogenic (PMID: 19177532, 25227500, 28586915). This variant is not present in population databases (gnomAD no frequency). This variant has not been reported in the literature in individuals affected with MFSD8-related conditions. Algorithms developed to predict the effect of sequence changes on RNA splicing suggest that this variant may disrupt the consensus splice site. In summary, the currently available evidence indicates that the variant is pathogenic, but additional data are needed to prove that conclusively. Therefore, this variant has been classified as Likely Pathogenic.

Literature cited by the submitters: PubMed 16199547; PubMed 19177532; PubMed 25227500; PubMed 28586915.